The following is an entry in ClinVar:

NM_024426.6(WT1):c.660G>A (p.Gln220=)

Genes: WT1 (WT1 transcription factor; minus strand), LOC107982234 (WT1/WT1-AS bi-directional promoter region; plus strand). Cytogenetic location: 11p13.
Variant type: single nucleotide variant.
Coding change: c.660G>A on transcript NM_024426.6 (MANE Select); coding-DNA position 660, G replaced by A.
Protein change: p.Gln220=; no amino-acid change (glutamine 220 retained).
Molecular consequence: synonymous variant. On other transcripts: non-coding transcript variant (2).
Genome position (GRCh38, 1-based): chr11:32,434,701, C>T on the plus strand (G>A on the coding strand, the complement: WT1 is on the minus strand). VCF-style: chr11-32434701-C-T. GRCh37 (hg19) VCF-style: chr11-32456247-C-T.
Other names: c.660G>A, p.Gln220= (NM_000378.6, NM_001407044.1, NM_001407045.1 and 6 more transcripts); c.645G>A, p.Gln215= (NM_024425.2).
Identifiers: ClinVar variation 2107510 (VCV002107510.4), dbSNP rs2494474716, ClinGen allele CA473571290.

ClinVar aggregate classification (germline): Uncertain significance (1 of 4 stars; one submission).

Conditions:
Drash syndrome (DDS). Also called: NEPHROPATHY, WILMS TUMOR, AND GENITAL ANOMALIES; WILMS TUMOR AND PSEUDO- OR TRUE HERMAPHRODITISM. Identifiers: Orphanet 220, MedGen C0950121, MONDO:0008682, OMIM 194080.
Frasier syndrome. Identifiers: Orphanet 347, MedGen C0950122, MeSH D052159, MONDO:0007635, OMIM 136680.
Wilms tumor 1 (WT1). Also called: Wilms tumor, somatic. Identifiers: Orphanet 654, MedGen CN033288, MONDO:0008679, OMIM 194070.
11p partial monosomy syndrome (WAGR). Also called: WAGR Spectrum Disorder; WAGR syndrome; WAGR Complex; CHROMOSOME 11p13 DELETION SYNDROME. Identifiers: Orphanet 893, MedGen C0206115, MONDO:0008681, OMIM 194072.

Submission:

Labcorp Genetics (formerly Invitae), Labcorp
Classification: Uncertain significance for Wilms tumor 1; Drash syndrome; 11p partial monosomy syndrome; Frasier syndrome. Last evaluated: 2022-03-07. Review status: criteria provided, single submitter. Criteria: Invitae Variant Classification Sherloc (09022015). Collection method: clinical testing. Allele origin: germline.
Comment: In summary, the available evidence is currently insufficient to determine the role of this variant in disease. Therefore, it has been classified as a Variant of Uncertain Significance. Algorithms developed to predict the effect of sequence changes on RNA splicing suggest that this variant is not likely to affect RNA splicing. This variant has not been reported in the literature in individuals affected with WT1-related conditions. This variant is not present in population databases (gnomAD no frequency). This sequence change affects codon 215 of the WT1 mRNA. It is a 'silent' change, meaning that it does not change the encoded amino acid sequence of the WT1 protein. It affects a nucleotide within the consensus splice site.